The following is an entry in ClinVar:

NM_014141.6(CNTNAP2):c.3527C>T (p.Thr1176Ile)

Gene: CNTNAP2 (contactin associated protein 2; plus strand). Cytogenetic location: 7q36.1.
Variant type: single nucleotide variant.
Coding change: c.3527C>T on transcript NM_014141.6 (MANE Select); coding-DNA position 3527, C replaced by T.
Protein change: p.Thr1176Ile; replaces threonine 1176 with isoleucine.
Molecular consequence: missense variant.
Genome position (GRCh38, 1-based): chr7:148,383,700, C>T. VCF-style: chr7-148383700-C-T. GRCh37 (hg19) VCF-style: chr7-148080792-C-T.
Other names: short protein forms T1176I.
Identifiers: ClinVar variation 975371 (VCV000975371.4), dbSNP rs746520358, ClinGen allele CA4546691.
Genomic context (GRCh38, chr7:148,383,700, plus strand): 5'-TTCTTTTAGAAACAGGGAAAATTGACCAAGAGATTCACAAATACAACACCCCAGGATTCA[C>T]TGGTTGCCTCTCCAGAGTCCAGTTCAACCAGATCGCCCCTCTCAAGGCCGCCTTGAGGCA-3'
Protein context (NP_054860.1, residues 1166-1186): EIHKYNTPGF[Thr1176Ile]GCLSRVQFNQ

ClinVar aggregate classification (germline): Uncertain significance. Review status: criteria provided, multiple submitters, no conflicts (2 of 4 stars). 3 submissions from 3 submitters: Uncertain significance (2). 1 of the submissions does not count toward it. Last evaluated 2020-01-13.

Conditions:
Intellectual disability. Also called: intellectual disabilities; Intellectual developmental disorder; Intellectual functioning disability. Identifiers: MedGen C3714756, MeSH D008607, MONDO:0001071, HP:0001249.

Allele frequency attached by ClinVar (database versions not stated): gnomAD 0.00001; TOPMed 0.00001; gnomAD exomes below 0.00001; ExAC 0.00002.
gnomAD v4.1: 4 of 1,614,106 alleles (0.00025%); highest among the groups gnomAD compares: Middle Eastern, 0.016%; no homozygotes.

Submissions (3):

GeneDx
Classification: Uncertain significance. Last evaluated: 2020-01-13. Review status: criteria provided, single submitter. Criteria: GeneDx Variant Classification Process June 2021. Collection method: clinical testing. Allele origin: germline. Affected: yes.
Comment: Not observed at a significant frequency in large population cohorts (Lek et al., 2016); In silico analysis, which includes protein predictors and evolutionary conservation, supports that this variant does not alter protein structure/function; Has not been previously published as pathogenic or benign to our knowledge

Breakthrough Genomics
Classification: Uncertain significance. Review status: criteria provided, single submitter. Criteria: ACMG Guidelines, 2015. Collection method: not provided. Allele origin: germline. Inheritance: Autosomal recessive inheritance. Affected: yes.

Centre de Biologie Pathologie Génétique, Centre Hospitalier Universitaire de Lille
Classification: Likely benign for Intellectual disability. Last evaluated: 2019-01-01. Review status: no assertion criteria provided. Collection method: clinical testing. Allele origin: inherited. Affected: yes. Not counted in ClinVar's aggregate classification.